The following is an entry in ClinVar:

NM_001384125.1(BLTP1):c.798dup (p.Tyr267fs)

Gene: BLTP1 (bridge-like lipid transfer protein family member 1; plus strand). Cytogenetic location: 4q27.
Variant type: Duplication.
Coding change: c.798dup on transcript NM_001384125.1 (MANE Select); coding-DNA position 798, one base duplicated (A; older notation c.798dupA).
Protein change: p.Tyr267fs; shifts the reading frame from tyrosine 267.
Molecular consequence: frameshift variant.
Genome position (GRCh38, 1-based): chr4:122,188,065, A duplicated. VCF-style (leftmost placement, unchanged base first): chr4-122188064-G-GA. GRCh37 (hg19) VCF-style: chr4-123109219-G-GA.
Other names: c.798dup, p.Tyr267fs (NM_015312.4); short protein forms Y267fs.
Identifiers: ClinVar variation 4986046 (VCV004986046.1).
Genomic context (GRCh38, chr4:122,188,064, plus strand): 5'-TCATGCATATTGTGAAAGGAAAGCTTGAAAATGTTCGAGTCATGCTTGTTCCTAGTCCAA[G>GA]ATATGTTGGTCTTCAAAATGATGAGTAAGAAAATCTTATAAAAATAATAAAAAACTTCTT-3'

ClinVar aggregate classification (germline): Likely pathogenic (1 of 4 stars; one submission).

Conditions:
BLTP1-related disorder. Also called: BLTP1-related condition.

Submission:

PreventionGenetics, part of Exact Sciences
Classification: Likely pathogenic for BLTP1-related condition. Last evaluated: 2025-04-24. Review status: criteria provided, single submitter. Criteria: ACMG Guidelines, 2015. Collection method: clinical testing. Allele origin: germline.
Comment: The BLTP1 c.798dupA variant is predicted to result in a frameshift and premature protein termination (p.Tyr267Ilefs*7). To our knowledge, this variant has not been reported in the literature or in a large population database (gnomAD), indicating this variant is rare. Frameshift variants in BLTP1 are expected to be pathogenic. This variant is interpreted as likely pathogenic.